The following is an entry in ClinVar:

NM_004004.6(GJB2):c.250G>C (p.Val84Leu)

Gene: GJB2 (gap junction protein beta 2; minus strand). Cytogenetic location: 13q12.11.
Variant type: single nucleotide variant.
Coding change: c.250G>C on transcript NM_004004.6 (MANE Select); coding-DNA position 250, G replaced by C.
Protein change: p.Val84Leu; replaces valine 84 with leucine.
Molecular consequence: missense variant.
Genome position (GRCh38, 1-based): chr13:20,189,332, C>G on the plus strand (G>C on the coding strand, the complement: GJB2 is on the minus strand). VCF-style: chr13-20189332-C-G. GRCh37 (hg19) VCF-style: chr13-20763471-C-G.
Other names: short protein forms V84L.
Identifiers: ClinVar variation 17032 (VCV000017032.39), dbSNP rs104894409, ClinGen allele CA172218.
Genomic context (GRCh38, chr13:20,189,332, plus strand): 5'-TCTTCTTCTCATGTCTCCGGTAGGCCACGTGCATGGCCACTAGGAGCGCTGGCGTGGACA[C>G]GAAGATCAGCTGCAGGGCCCATAGCCGGATGTGGGAGATGGGGAAGTAGTGATCGTAGCA-3'
Protein context (NP_003995.2, residues 74-94): IRLWALQLIF[Val84Leu]STPALLVAMH

ClinVar aggregate classification (germline): Pathogenic. Review status: criteria provided, multiple submitters, no conflicts (2 of 4 stars). 19 submissions from 19 submitters: Pathogenic (17). 2 of the submissions do not count toward it. Last evaluated 2025-10-03.

Conditions:
GJB2-related disorder. Also called: GJB2-related condition; GJB2-related disorders. Identifiers: MedGen CN382183, MONDO:1060236.
Rare genetic deafness. Identifiers: Orphanet 96210, MedGen C5680250.
Autosomal recessive nonsyndromic hearing loss 1A (DFNB1A). Also called: Deafness, autosomal recessive 1A; GJB2-Related Autosomal Recessive Nonsyndromic Hearing Loss; Connexin 26 deafness; Deafness nonsyndromic, Connexin 26 linked; Nonsyndromic Hearing Loss and Deafness, DFNB1; GJB6-Related DFNB 1 Nonsyndromic Hearing Loss and Deafness. Identifiers: Orphanet 90636, MedGen C2673759, MONDO:0009076, OMIM 220290.
Palmoplantar keratoderma-deafness syndrome. Also called: Keratoderma palmoplantar, with deafness; Palmoplantar keratoderma and sensorineural deafness; Hereditary palmoplantar keratoderma with deafness (subtype); Focal palmoplantar keratoderma with sensorineural deafness (subtype); Diffuse palmoplantar keratoderma with deafness (subtype). Identifiers: Orphanet 2202, MedGen C1835672, MONDO:0007852, OMIM 148350.
Knuckle pads, deafness AND leukonychia syndrome. Also called: Bart-Pumphrey syndrome. Identifiers: Orphanet 2698, MedGen C0266004, MONDO:0007866, OMIM 149200.
Autosomal dominant keratitis-ichthyosis-hearing loss syndrome. Also called: HID SYNDROME; KID SYNDROME, AUTOSOMAL DOMINANT; Senter syndrome. Identifiers: Orphanet 477, MedGen C0265336, MONDO:0007850, OMIM 148210.
X-linked mixed hearing loss with perilymphatic gusher. Also called: NANCE DEAFNESS; Gusher syndrome; PERILYMPHATIC GUSHER-DEAFNESS SYNDROME; SENSORINEURAL DEAFNESS, PROFOUND, WITH OR WITHOUT A CONDUCTIVE COMPONENT, ASSOCIATED WITH A UNIQUE DEVELOPMENTAL ABNORMALITY OF THE EAR; Deafness, X-linked 2. Identifiers: Orphanet 383, MedGen C1844678, MONDO:0010576, OMIM 304400.
Autosomal dominant nonsyndromic hearing loss 3A. Identifiers: Orphanet 90635, MedGen C2675750, MONDO:0011103, OMIM 601544.
Ichthyosis, hystrix-like, with hearing loss. Also called: Hystrix-like ichthyosis with deafness. Identifiers: Orphanet 477, MedGen C1865234, MONDO:0011245.
Mutilating keratoderma (VOWNKL). Also called: Keratoderma hereditarium mutilans. Identifiers: Orphanet 494, MedGen C0265964, MONDO:0007422, OMIM 124500.
Nonsyndromic genetic hearing loss. Also called: Nonsyndromic hearing loss and deafness; Non-syndromic genetic deafness; Nonsyndromic genetic deafness. Identifiers: Orphanet 87884, MedGen C5680182, MONDO:0019497.
Hearing impairment. Also called: Impaired Hearing. Identifiers: MedGen C1384666, MONDO:0005365, HP:0000365.

Allele frequency attached by ClinVar (database versions not stated): TOPMed 0.00001.

Submissions 1 to 8 of 19:

PreventionGenetics, part of Exact Sciences
Classification: Pathogenic for GJB2-related condition. Last evaluated: 2025-10-03. Review status: criteria provided, single submitter. Criteria: ACMG Guidelines, 2015. Collection method: clinical testing. Allele origin: germline.
Comment: The GJB2 c.250G>C variant is predicted to result in the amino acid substitution p.Val84Leu. This variant has been reported in the compound heterozygous and homozygous states in multiple individuals with autosomal recessive nonsyndromic hearing loss (Kenna et al. 2001. PubMed ID: 11556849; Wu et al. 2002. PubMed ID: 12172394; Cryns et al. 2004. PubMed ID: 14985372; Minami et al. 2013. PubMed ID: 24013081; Dalamón et al. 2013. PubMed ID: 24158611). It has also been shown to co-segregate with autosomal recessive hearing loss in at least one family (Kelley et al. 1998. PubMed ID: 9529365). In vitro functional studies have demonstrated that the p.Val84Leu variant does not alter connexin-26 protein trafficking, pore formation, or ion conductance but does lead to significantly impaired intercellular Ca2+ signaling by reducing the channel permeability of second messenger inositol 1,4,5-triphosphate (IP3) (Beltramello et al. 2005. PubMed ID: 15592461; Zhang et al. 2005. PubMed ID: 16217030; Ambrosi et al. 2010. PubMed ID: 20441744). This variant is reported in 0.012% of alleles in individuals of Latino descent in gnomAD. An alternate nucleotide substitution (c.250G>T) leading to the same missense change (p.Val84Leu)and alternate missense substitutions of the same amino acid (p.Val48Met, p.Val48Ala) have also been reported in individuals with hearing loss (Pandya et al. 2003. PubMed ID: 12865758; Putcha et al. 2007. PubMed ID: 17666888; Mahdieh et al. 2011. PubMed ID: 21388256; Carranza et al. 2016. PubMed ID: 26346709). Taken together, the c.250G>C, p.Val84Leu variant is interpreted as pathogenic.

Natera, Inc.
Classification: Pathogenic for Autosomal recessive deafness type 1A. Last evaluated: 2025-07-23. Review status: criteria provided, single submitter. Criteria: Natera Variant Classification Schema (03/2026). Collection method: clinical testing. Allele origin: germline.
Comment: The c.250G>C variant in GJB2 is a missense variant predicted to cause substitution of valine to leucine at amino acid 84. This variant is rare in the general population with a frequency below the threshold expected for the associated phenotype(s). This variant has been observed in one or more individuals affected with the associated recessive disease, as either homozygous or compound heterozygous with a second variant (PMID: 22925408). Given the available evidence, this variant is classified as Pathogenic.

Labcorp Genetics (formerly Invitae), Labcorp
Classification: Pathogenic. Last evaluated: 2025-05-21. Review status: criteria provided, single submitter. Criteria: Invitae Variant Classification Sherloc (09022015). Collection method: clinical testing. Allele origin: germline.
Comment: This sequence change replaces valine, which is neutral and non-polar, with leucine, which is neutral and non-polar, at codon 84 of the GJB2 protein (p.Val84Leu). This variant is present in population databases (rs104894409, gnomAD 0.01%). This missense change has been observed in individuals with autosomal recessive deafness (PMID: 11556849, 12172394, 16380907, 19235794, 24013081, 26346709). ClinVar contains an entry for this variant (Variation ID: 17032). Invitae Evidence Modeling of protein sequence and biophysical properties (such as structural, functional, and spatial information, amino acid conservation, physicochemical variation, residue mobility, and thermodynamic stability) indicates that this missense variant is expected to disrupt GJB2 protein function with a positive predictive value of 95%. Experimental studies have shown that this missense change affects GJB2 function (PMID: 12505163, 12562518, 15592461, 16217030, 20441744). For these reasons, this variant has been classified as Pathogenic.

GeneDx
Classification: Pathogenic. Last evaluated: 2024-12-19. Review status: criteria provided, single submitter. Criteria: GeneDx Variant Classification Process June 2021. Collection method: clinical testing. Allele origin: germline. Affected: yes.
Comment: Published functional studies demonstrate a damaging effect on biochemical permeability, while ionic coupling is intact (PMID: 16217030); In silico analysis supports that this missense variant has a deleterious effect on protein structure/function; This variant is associated with the following publications: (PMID: 17426645, 24158611, 23555729, 15365987, 25087612, 25388846, 15592461, 16380907, 14985372, 12562518, 12505163, 20441744, 9529365, 17666888, 12189487, 31160754, 33096615, 31589614, 36048236, 34308104, 31331740, 11556849, 16217030)

Blueprint Genetics
Classification: Pathogenic for GJB2-related disorders. Last evaluated: 2024-03-23. Review status: criteria provided, single submitter. Criteria: ACMG Guidelines, 2015. Collection method: clinical testing. Allele origin: germline. Affected: yes. Observed: 1 variant allele.

3billion
Classification: Pathogenic for Autosomal recessive nonsyndromic hearing loss 1A. Last evaluated: 2024-01-29. Review status: criteria provided, single submitter. Criteria: ACMG Guidelines, 2015. Collection method: clinical testing. Allele origin: germline. Affected: yes.
Comment: The variant is observed at an extremely low frequency in the gnomAD v2.1.1 dataset (total allele frequency: 0.004%). Predicted Consequence/Location: Missense variant In silico tool predictions suggest damaging effect of the variant on gene or gene product [REVEL: 0.95 (>=0.6, sensitivity 0.68 and specificity 0.92)]. Same nucleotide change resulting in same amino acid change has been previously reported as pathogenic/likely pathogenic with strong evidence (ClinVar ID: VCV000017032 /PMID: 9529365). The variant has been reported to be in trans with a pathogenic variant as either compound heterozygous or homozygous in at least one similarly affected unrelated individual (PMID: 11556849, 16380907). Different missense changes at the same codon (p.Val84Ala, p.Val84Met) have been reported as pathogenic/likely pathogenic with strong evidence (ClinVar ID: VCV000017036, VCV002137459 /PMID: 12325027). Therefore, this variant is classified as Pathogenic according to the recommendation of ACMG/AMP guideline.

Clinical Genetics Laboratory, Skane University Hospital Lund
Classification: Pathogenic. Last evaluated: 2023-07-12. Review status: criteria provided, single submitter. Criteria: ACMG Guidelines, 2015. Collection method: clinical testing. Allele origin: germline. Affected: yes.

Integrating Genomics into Medicine, Frazer Institute, University Of Queensland
Classification: Pathogenic for Autosomal recessive nonsyndromic hearing loss 1A. Last evaluated: 2023-06-02. Review status: criteria provided, single submitter. Criteria: ACMG Guidelines, 2015. Collection method: clinical testing. Allele origin: germline. Affected: yes.